The following is an entry in ClinVar:

NM_001330260.2(SCN8A):c.3536G>A (p.Gly1179Glu)

Gene: SCN8A (sodium voltage-gated channel alpha subunit 8; plus strand). Cytogenetic location: 12q13.13.
Variant type: single nucleotide variant.
Coding change: c.3536G>A on transcript NM_001330260.2 (MANE Select); coding-DNA position 3536, G replaced by A.
Protein change: p.Gly1179Glu; replaces glycine 1179 with glutamic acid.
Molecular consequence: missense variant.
Genome position (GRCh38, 1-based): chr12:51,770,574, G>A. VCF-style: chr12-51770574-G-A. GRCh37 (hg19) VCF-style: chr12-52164358-G-A.
Other names: c.3536G>A, p.Gly1179Glu (NM_001177984.3, NM_001369788.1, NM_014191.4); short protein forms G1179E.
Identifiers: ClinVar variation 3236007 (VCV003236007.1), dbSNP rs2540271537, ClinGen allele CA384896264.

ClinVar aggregate classification (germline): Uncertain significance (1 of 4 stars; one submission).

Conditions:
Developmental and epileptic encephalopathy, 13 (DEE13). Also called: Developmental and Epileptic Encephalopathy (SCN8A-DEE); Early infantile epileptic encephalopathy 13; SCN8A-Related Epilepsy. Identifiers: Orphanet 442835, MedGen C3281191, MONDO:0013801, OMIM 614558.

Submission:

MVZ Medizinische Genetik Mainz
Classification: Uncertain significance for Developmental and epileptic encephalopathy, 13. Last evaluated: 2023-09-06. Review status: criteria provided, single submitter. Criteria: UK Practice Guidelines For Variant Classification V4 01 2020. Collection method: clinical testing. Allele origin: germline. Inheritance: Autosomal dominant inheritance. Affected: yes. Observed: 1 variant allele.
Comment: ACMG Criteria: PP3_MOD,PM2_SUP,PP2